The following is an entry in ClinVar:

ClinVar aggregate classification (germline): Uncertain significance (1 of 4 stars; one submission).

Conditions:
Cardiovascular phenotype. Identifiers: MedGen CN230736.

Allele frequency attached by ClinVar (database versions not stated): TOPMed below 0.00001.

Submission:

Ambry Genetics
Classification: Uncertain significance for Cardiovascular phenotype. Last evaluated: 2019-06-07. Review status: criteria provided, single submitter. Criteria: Ambry Variant Classification Scheme 2023. Collection method: clinical testing. Allele origin: germline.
Comment: The p.Q540E variant (also known as c.1618C>G), located in coding exon 8 of the ALMS1 gene, results from a C to G substitution at nucleotide position 1618. The glutamine at codon 540 is replaced by glutamic acid, an amino acid with highly similar properties. This amino acid position is not well conserved in available vertebrate species. In addition, this alteration is predicted to be tolerated by in silico analysis. Since supporting evidence is limited at this time, the clinical significance of this alteration remains unclear.

NM_001378454.1(ALMS1):c.1615C>G (p.Gln539Glu)

Gene: ALMS1 (ALMS1 centrosome and basal body associated protein; plus strand). Cytogenetic location: 2p13.1.
Variant type: single nucleotide variant.
Coding change: c.1615C>G on transcript NM_001378454.1 (MANE Select); coding-DNA position 1615, C replaced by G.
Protein change: p.Gln539Glu; replaces glutamine 539 with glutamic acid.
Molecular consequence: missense variant.
Genome position (GRCh38, 1-based): chr2:73,448,142, C>G. VCF-style: chr2-73448142-C-G. GRCh37 (hg19) VCF-style: chr2-73675269-C-G.
Other names: c.1618C>G, p.Gln540Glu (NM_015120.4); short protein forms Q540E, Q539E.
Identifiers: ClinVar variation 1776535 (VCV001776535.2), dbSNP rs1671844525, ClinGen allele CA347264929.